The following is an entry in ClinVar:

ClinVar aggregate classification (germline): Uncertain significance (1 of 4 stars; one submission).

Conditions:
Tay-Sachs disease (TSD). Also called: GM2 gangliosidosis, type 1; Hexosaminidase alpha-subunit deficiency (variant B); Sphingolipidosis, Tay-Sachs; Hexosaminidase A Deficiency; HEXA DEFICIENCY; HEXA Disorders. Identifiers: Orphanet 845, MedGen C0039373, MONDO:0010100, OMIM 272800.

Allele frequency attached by ClinVar (database versions not stated): gnomAD exomes 0.00001.
gnomAD v4.1: 10 of 1,614,094 alleles (0.00062%); highest among the groups gnomAD compares: Non-Finnish European, 0.00085%; no homozygotes.

Submission:

Labcorp Genetics (formerly Invitae), Labcorp
Classification: Uncertain significance for Tay-Sachs disease. Last evaluated: 2021-08-26. Review status: criteria provided, single submitter. Criteria: Invitae Variant Classification Sherloc (09022015). Collection method: clinical testing. Allele origin: germline.
Comment: This sequence change replaces aspartic acid with asparagine at codon 430 of the HEXA protein (p.Asp430Asn). The aspartic acid residue is highly conserved and there is a small physicochemical difference between aspartic acid and asparagine. This variant is not present in population databases (ExAC no frequency). This variant has not been reported in the literature in individuals affected with HEXA-related conditions. Algorithms developed to predict the effect of missense changes on protein structure and function are either unavailable or do not agree on the potential impact of this missense change (SIFT: "Tolerated"; PolyPhen-2: "Probably Damaging"; Align-GVGD: "Class C0"). In summary, the available evidence is currently insufficient to determine the role of this variant in disease. Therefore, it has been classified as a Variant of Uncertain Significance.

NM_000520.6(HEXA):c.1288G>A (p.Asp430Asn)

Gene: HEXA (hexosaminidase subunit alpha; minus strand). Cytogenetic location: 15q23.
Variant type: single nucleotide variant.
Coding change: c.1288G>A on transcript NM_000520.6 (MANE Select); coding-DNA position 1288, G replaced by A.
Protein change: p.Asp430Asn; replaces aspartic acid 430 with asparagine.
Molecular consequence: missense variant.
Genome position (GRCh38, 1-based): chr15:72,346,569, C>T on the plus strand (G>A on the coding strand, the complement: HEXA is on the minus strand). VCF-style: chr15-72346569-C-T. GRCh37 (hg19) VCF-style: chr15-72638910-C-T.
Other names: c.1321G>A, p.Asp441Asn (NM_001318825.2); short protein forms D441N, D430N.
Identifiers: ClinVar variation 2168874 (VCV002168874.1), dbSNP rs2088617050, ClinGen allele CA393060584.